The following is an entry in ClinVar:

ClinVar aggregate classification (germline): Uncertain significance (1 of 4 stars; one submission).

Allele frequency attached by ClinVar (database versions not stated): ExAC 0.00001; gnomAD exomes 0.00001.

Submission:

Labcorp Genetics (formerly Invitae), Labcorp
Classification: Uncertain significance. Last evaluated: 2025-11-21. Review status: criteria provided, single submitter. Criteria: Invitae Variant Classification Sherloc (09022015). Collection method: clinical testing. Allele origin: germline.
Comment: This sequence change replaces valine, which is neutral and non-polar, with alanine, which is neutral and non-polar, at codon 448 of the SEMA4A protein (p.Val448Ala). This variant is present in population databases (rs749224232, gnomAD 0.0009%). This variant has not been reported in the literature in individuals affected with SEMA4A-related conditions. ClinVar contains an entry for this variant (Variation ID: 2070979). Invitae Evidence Modeling of protein sequence and biophysical properties (such as structural, functional, and spatial information, amino acid conservation, physicochemical variation, residue mobility, and thermodynamic stability) indicates that this missense variant is not expected to disrupt SEMA4A protein function with a negative predictive value of 80%. In summary, the available evidence is currently insufficient to determine the role of this variant in disease. Therefore, it has been classified as a Variant of Uncertain Significance.

NM_022367.4(SEMA4A):c.1343T>C (p.Val448Ala)

Gene: SEMA4A (semaphorin 4A; plus strand). Cytogenetic location: 1q22.
Variant type: single nucleotide variant.
Coding change: c.1343T>C on transcript NM_022367.4 (MANE Select); coding-DNA position 1343, T replaced by C.
Protein change: p.Val448Ala; replaces valine 448 with alanine.
Molecular consequence: missense variant.
Genome position (GRCh38, 1-based): chr1:156,174,849, T>C. VCF-style: chr1-156174849-T-C. GRCh37 (hg19) VCF-style: chr1-156144640-T-C.
Other names: c.1343T>C, p.Val448Ala (NM_001193300.2, NM_001193301.2, NM_001370567.1); c.947T>C, p.Val316Ala (NM_001193302.2); c.1046T>C, p.Val349Ala (NM_001370568.1); c.836T>C, p.Val279Ala (NM_001370569.1, NM_001370571.1); short protein forms V279A, V448A, V316A, V349A.
Identifiers: ClinVar variation 2070979 (VCV002070979.4), dbSNP rs749224232, ClinGen allele CA1155344.
Genomic context (GRCh38, chr1:156,174,849, plus strand): 5'-GAGATGACTTCCACTCTCTCTGTCTCCCCATAGCCACAGGGTCGCTCCACAAGGCTGTGG[T>C]AAGTGGGGACAGCAGTGCTCATCTGGTGGAAGAGATTCAGCTGTTCCCTGACCCTGAACC-3'
Protein context (NP_071762.2, residues 438-458): TTTGSLHKAV[Val448Ala]SGDSSAHLVE